The following is an entry in ClinVar:

ClinVar aggregate classification (germline): Uncertain significance (1 of 4 stars; one submission).

Submission:

Labcorp Genetics (formerly Invitae), Labcorp
Classification: Uncertain significance. Last evaluated: 2025-11-04. Review status: criteria provided, single submitter. Criteria: Invitae Variant Classification Sherloc (09022015). Collection method: clinical testing. Allele origin: germline.
Comment: This sequence change replaces histidine, which is basic and polar, with glutamine, which is neutral and polar, at codon 679 of the ADAMTS10 protein (p.His679Gln). This variant is not present in population databases (gnomAD no frequency). This variant has not been reported in the literature in individuals affected with ADAMTS10-related conditions. An algorithm developed to predict the effect of missense changes on protein structure and function (PolyPhen-2) suggests that this variant is likely to be disruptive. In summary, the available evidence is currently insufficient to determine the role of this variant in disease. Therefore, it has been classified as a Variant of Uncertain Significance.

NM_030957.4(ADAMTS10):c.2037C>A (p.His679Gln)

Gene: ADAMTS10 (ADAM metallopeptidase with thrombospondin type 1 motif 10; minus strand). Cytogenetic location: 19p13.2.
Variant type: single nucleotide variant.
Coding change: c.2037C>A on transcript NM_030957.4 (MANE Select); coding-DNA position 2037, C replaced by A.
Protein change: p.His679Gln; replaces histidine 679 with glutamine.
Molecular consequence: missense variant.
Genome position (GRCh38, 1-based): chr19:8,589,363, G>T on the plus strand (C>A on the coding strand, the complement: ADAMTS10 is on the minus strand). VCF-style: chr19-8589363-G-T. GRCh37 (hg19) VCF-style: chr19-8654247-G-T.
Other names: c.498C>A, p.His166Gln (NM_001282352.2); short protein forms H166Q, H679Q.
Identifiers: ClinVar variation 4730503 (VCV004730503.1).